The following is an entry in ClinVar:

ClinVar aggregate classification (germline): Uncertain significance (1 of 4 stars; one submission).

gnomAD v4.1: 10 of 1,613,496 alleles (0.00062%); highest among the groups gnomAD compares: Non-Finnish European, 0.00085%; no homozygotes.

Submission:

Labcorp Genetics (formerly Invitae), Labcorp
Classification: Uncertain significance. Last evaluated: 2025-01-21. Review status: criteria provided, single submitter. Criteria: Invitae Variant Classification Sherloc (09022015). Collection method: clinical testing. Allele origin: germline.
Comment: This sequence change replaces isoleucine, which is neutral and non-polar, with threonine, which is neutral and polar, at codon 467 of the CEP135 protein (p.Ile467Thr). This variant is not present in population databases (gnomAD no frequency). This variant has not been reported in the literature in individuals affected with CEP135-related conditions. An algorithm developed to predict the effect of missense changes on protein structure and function (PolyPhen-2) suggests that this variant is likely to be tolerated. In summary, the available evidence is currently insufficient to determine the role of this variant in disease. Therefore, it has been classified as a Variant of Uncertain Significance.

NM_025009.5(CEP135):c.1400T>C (p.Ile467Thr)

Gene: CEP135 (centrosomal protein 135; plus strand). Cytogenetic location: 4q12.
Variant type: single nucleotide variant.
Coding change: c.1400T>C on transcript NM_025009.5 (MANE Select); coding-DNA position 1400, T replaced by C.
Protein change: p.Ile467Thr; replaces isoleucine 467 with threonine.
Molecular consequence: missense variant.
Genome position (GRCh38, 1-based): chr4:55,974,896, T>C. VCF-style: chr4-55974896-T-C. GRCh37 (hg19) VCF-style: chr4-56841062-T-C.
Other names: short protein forms I467T.
Identifiers: ClinVar variation 3684057 (VCV003684057.2).
Genomic context (GRCh38, chr4:55,974,896, plus strand): 5'-TGAAAGGTATAGAAGAAGAACGAGATTATTATAAGAAAGAGCTAGAGAGACTCCAACATA[T>C]AATACAGCGAAGATCTTGCTCTACAAGTTATAGCGCACGTGAAAAAAGTTCAATATTTAG-3'
Protein context (NP_079285.2, residues 457-477): YKKELERLQH[Ile467Thr]IQRRSCSTSY